The following is an entry in ClinVar:

ClinVar aggregate classification (germline): Conflicting classifications of pathogenicity. Review status: criteria provided, conflicting classifications (1 of 4 stars). 3 submissions from 3 submitters: Uncertain significance (2); Likely benign (1). Last evaluated 2025-09-23.

Conditions:
Inborn genetic diseases. Identifiers: MedGen C0950123, MeSH D030342.
Early-infantile DEE. Also called: Ohtahara syndrome; Early infantile epileptic encephalopathy with suppression bursts; Early infantile epileptic encephalopathy. Identifiers: Orphanet 1934, MedGen C0393706, MONDO:0800491.

Allele frequency attached by ClinVar (database versions not stated): gnomAD 0.00010; TOPMed 0.00011; ESP Exome Variant Server 0.00015; ExAC 0.00016.
gnomAD v4.1: 327 of 1,585,444 alleles (0.021%); highest among the groups gnomAD compares: Non-Finnish European, 0.027%; no homozygotes.

Submissions (3):

Labcorp Genetics (formerly Invitae), Labcorp
Classification: Likely benign for Early-infantile DEE. Last evaluated: 2025-09-23. Review status: criteria provided, single submitter. Criteria: Invitae Variant Classification Sherloc (09022015). Collection method: clinical testing. Allele origin: germline.

Blueprint Genetics
Classification: Uncertain significance. Last evaluated: 2024-05-20. Review status: criteria provided, single submitter. Criteria: ACMG Guidelines, 2015. Collection method: clinical testing. Allele origin: germline.

Ambry Genetics
Classification: Uncertain significance for Inborn genetic diseases. Last evaluated: 2023-03-09. Review status: criteria provided, single submitter. Criteria: Ambry Variant Classification Scheme 2023. Collection method: clinical testing. Allele origin: germline.
Comment: The c.1908-5C>A intronic alteration consists of a C to A substitution 5 nucleotides before coding exon 22 in the CACNA2D2 gene. Based on insufficient or conflicting evidence, the clinical significance of this alteration remains unclear.

NM_006030.4(CACNA2D2):c.1908-5C>A

Gene: CACNA2D2 (calcium voltage-gated channel auxiliary subunit alpha2delta 2; minus strand). Cytogenetic location: 3p21.31.
Variant type: single nucleotide variant.
Coding change: c.1908-5C>A on transcript NM_006030.4 (MANE Select); 5 bases into the intron before coding-DNA position 1908, C replaced by A.
Molecular consequence: intron variant.
Genome position (GRCh38, 1-based): chr3:50,374,818, G>T on the plus strand (C>A on the coding strand, the complement: CACNA2D2 is on the minus strand). VCF-style: chr3-50374818-G-T. GRCh37 (hg19) VCF-style: chr3-50412249-G-T.
Other names: c.1908-5C>A (NM_001174051.1, NM_001005505.3, NM_001174051.3); c.1701-5C>A (NM_001291101.1).
Identifiers: ClinVar variation 411011 (VCV000411011.11), dbSNP rs377584163, ClinGen allele CA2418667.